The following is an entry in ClinVar:

NM_006231.4(POLE):c.2319+4A>G

Gene: POLE (DNA polymerase epsilon, catalytic subunit; minus strand). Cytogenetic location: 12q24.33.
Variant type: single nucleotide variant.
Coding change: c.2319+4A>G on transcript NM_006231.4 (MANE Select); 4 bases into the intron after coding-DNA position 2319, A replaced by G.
Molecular consequence: intron variant.
Genome position (GRCh38, 1-based): chr12:132,667,499, T>C on the plus strand (A>G on the coding strand, the complement: POLE is on the minus strand). VCF-style: chr12-132667499-T-C. GRCh37 (hg19) VCF-style: chr12-133244085-T-C.
Identifiers: ClinVar variation 2707175 (VCV002707175.3), dbSNP rs2135969114, ClinGen allele CA2697551638.

ClinVar aggregate classification (germline): Uncertain significance (1 of 4 stars; one submission).

Submission:

Labcorp Genetics (formerly Invitae), Labcorp
Classification: Uncertain significance. Last evaluated: 2024-01-03. Review status: criteria provided, single submitter. Criteria: Invitae Variant Classification Sherloc (09022015). Collection method: clinical testing. Allele origin: germline.
Comment: This sequence change falls in intron 20 of the POLE gene. It does not directly change the encoded amino acid sequence of the POLE protein. It affects a nucleotide within the consensus splice site. This variant is not present in population databases (gnomAD no frequency). This variant has not been reported in the literature in individuals affected with POLE-related conditions. Variants that disrupt the consensus splice site are a relatively common cause of aberrant splicing (PMID: 17576681, 9536098). Algorithms developed to predict the effect of sequence changes on RNA splicing suggest that this variant is not likely to affect RNA splicing. In summary, the available evidence is currently insufficient to determine the role of this variant in disease. Therefore, it has been classified as a Variant of Uncertain Significance.

Literature cited by the submitters: PubMed 17576681; PubMed 9536098.